The following is an entry in ClinVar:

NM_003803.4(MYOM1):c.184C>T (p.Arg62Cys)

Gene: MYOM1 (myomesin 1; minus strand). Cytogenetic location: 18p11.31.
Variant type: single nucleotide variant.
Coding change: c.184C>T on transcript NM_003803.4 (MANE Select); coding-DNA position 184, C replaced by T.
Protein change: p.Arg62Cys; replaces arginine 62 with cysteine.
Molecular consequence: missense variant.
Genome position (GRCh38, 1-based): chr18:3,215,040, G>A on the plus strand (C>T on the coding strand, the complement: MYOM1 is on the minus strand). VCF-style: chr18-3215040-G-A. GRCh37 (hg19) VCF-style: chr18-3215038-G-A.
Other names: c.184C>T, p.Arg62Cys (NM_019856.2); short protein forms R62C.
Identifiers: ClinVar variation 410261 (VCV000410261.12), dbSNP rs766972653, ClinGen allele CA8875333.

ClinVar aggregate classification (germline): Uncertain significance. Review status: criteria provided, multiple submitters, no conflicts (2 of 4 stars). 2 submissions from 2 submitters: Uncertain significance (2). Last evaluated 2025-12-20.

Conditions:
Hypertrophic cardiomyopathy. Also called: HYPERTROPHIC MYOCARDIOPATHY. Identifiers: Orphanet 217569, MedGen C0007194, MeSH D002312, MONDO:0005045, HP:0001639.

Allele frequency attached by ClinVar (database versions not stated): gnomAD 0.00001; ExAC 0.00002; gnomAD exomes 0.00002 and 0.00006; TOPMed 0.00004.
gnomAD v4.1: 98 of 1,612,786 alleles (0.0061%); highest among the groups gnomAD compares: Non-Finnish European, 0.0075%; 1 homozygote.

Submissions (2):

Labcorp Genetics (formerly Invitae), Labcorp
Classification: Uncertain significance for Hypertrophic cardiomyopathy. Last evaluated: 2025-12-20. Review status: criteria provided, single submitter. Criteria: Invitae Variant Classification Sherloc (09022015). Collection method: clinical testing. Allele origin: germline.
Comment: This sequence change replaces arginine, which is basic and polar, with cysteine, which is neutral and slightly polar, at codon 62 of the MYOM1 protein (p.Arg62Cys). This variant is present in population databases (rs766972653, gnomAD 0.004%). This variant has not been reported in the literature in individuals affected with MYOM1-related conditions. ClinVar contains an entry for this variant (Variation ID: 410261). An algorithm developed to predict the effect of missense changes on protein structure and function (PolyPhen-2) suggests that this variant is likely to be tolerated. In summary, the available evidence is currently insufficient to determine the role of this variant in disease. Therefore, it has been classified as a Variant of Uncertain Significance.

Ambry Genetics
Classification: Uncertain significance. Last evaluated: 2025-05-07. Review status: criteria provided, single submitter. Criteria: Ambry Variant Classification Scheme 2023. Collection method: clinical testing. Allele origin: germline.